The following is an entry in ClinVar:

ClinVar aggregate classification (germline): Uncertain significance (1 of 4 stars; one submission).

Allele frequency attached by ClinVar (database versions not stated): gnomAD 0.00001.
gnomAD v4.1: 1 of 1,610,520 alleles (0.000062%); highest among the groups gnomAD compares: Non-Finnish European, 0.000085%; no homozygotes.

Submission:

Labcorp Genetics (formerly Invitae), Labcorp
Classification: Uncertain significance. Last evaluated: 2022-10-06. Review status: criteria provided, single submitter. Criteria: Invitae Variant Classification Sherloc (09022015). Collection method: clinical testing. Allele origin: germline.
Comment: In summary, the available evidence is currently insufficient to determine the role of this variant in disease. Therefore, it has been classified as a Variant of Uncertain Significance. Algorithms developed to predict the effect of missense changes on protein structure and function (SIFT, PolyPhen-2, Align-GVGD) all suggest that this variant is likely to be tolerated. This variant has not been reported in the literature in individuals affected with NAA15-related conditions. This variant is not present in population databases (gnomAD no frequency). This sequence change replaces lysine, which is basic and polar, with glutamic acid, which is acidic and polar, at codon 262 of the NAA15 protein (p.Lys262Glu).

NM_057175.5(NAA15):c.784A>G (p.Lys262Glu)

Gene: NAA15 (N-alpha-acetyltransferase 15, NatA auxiliary subunit; plus strand). Cytogenetic location: 4q31.1.
Variant type: single nucleotide variant.
Coding change: c.784A>G on transcript NM_057175.5 (MANE Select); coding-DNA position 784, A replaced by G.
Protein change: p.Lys262Glu; replaces lysine 262 with glutamic acid.
Molecular consequence: missense variant.
Genome position (GRCh38, 1-based): chr4:139,349,554, A>G. VCF-style: chr4-139349554-A-G. GRCh37 (hg19) VCF-style: chr4-140270708-A-G.
Other names: c.784A>G, p.Lys262Glu (NM_001410842.1, NM_025085.2); short protein forms K262E.
Identifiers: ClinVar variation 1920666 (VCV001920666.5), dbSNP rs1747711794, ClinGen allele CA358261105.